The following is an entry in ClinVar:

NM_001035.3(RYR2):c.3622G>A (p.Gly1208Arg)

Gene: RYR2 (ryanodine receptor 2; plus strand). Cytogenetic location: 1q43.
Variant type: single nucleotide variant.
Coding change: c.3622G>A on transcript NM_001035.3 (MANE Select); coding-DNA position 3622, G replaced by A.
Protein change: p.Gly1208Arg; replaces glycine 1208 with arginine.
Molecular consequence: missense variant.
Genome position (GRCh38, 1-based): chr1:237,589,816, G>A. VCF-style: chr1-237589816-G-A. GRCh37 (hg19) VCF-style: chr1-237753116-G-A.
Other names: short protein forms G1208R.
Identifiers: ClinVar variation 922111 (VCV000922111.8), dbSNP rs770286824, ClinGen allele CA086426.

ClinVar aggregate classification (germline): Conflicting classifications of pathogenicity. Review status: criteria provided, conflicting classifications (1 of 4 stars). 3 submissions from 3 submitters: Uncertain significance (2); Likely benign (1). Last evaluated 2023-12-18.

Conditions:
Catecholaminergic polymorphic ventricular tachycardia 1. Also called: VENTRICULAR TACHYCARDIA, CATECHOLAMINERGIC POLYMORPHIC, 1, WITH OR WITHOUT ATRIAL DYSFUNCTION AND/OR DILATED CARDIOMYOPATHY; RYR2-Related Catecholaminergic Polymorphic Ventricular Tachycardia; VENTRICULAR TACHYCARDIA, STRESS-INDUCED POLYMORPHIC 1. Identifiers: Orphanet 3286, MedGen C1631597, MONDO:0011484, OMIM 604772.
Catecholaminergic polymorphic ventricular tachycardia (CVPT). Also called: Catecholamine-induced polymorphic ventricular tachycardia. Identifiers: Orphanet 3286, MedGen C5574922, MONDO:0017990.
Cardiomyopathy (CMYO). Also called: Cardiomyopathies. Identifiers: Orphanet 167848, MedGen C0878544, MONDO:0004994, HP:0001638. Inheritance: Various modes of inheritance.

Allele frequency attached by ClinVar (database versions not stated): gnomAD 0.00001; gnomAD exomes 0.00001 and 0.00002; ExAC 0.00002.
gnomAD v4.1: 4 of 1,613,616 alleles (0.00025%); highest among the groups gnomAD compares: East Asian, 0.0089%; no homozygotes.

Submissions (3):

Labcorp Genetics (formerly Invitae), Labcorp
Classification: Likely benign for Catecholaminergic polymorphic ventricular tachycardia 1. Last evaluated: 2023-12-18. Review status: criteria provided, single submitter. Criteria: Invitae Variant Classification Sherloc (09022015). Collection method: clinical testing. Allele origin: germline.

All of Us Research Program, National Institutes of Health
Classification: Uncertain significance for Catecholaminergic polymorphic ventricular tachycardia. Last evaluated: 2023-06-26. Review status: criteria provided, single submitter. Criteria: ACMG Guidelines, 2015. Collection method: clinical testing. Allele origin: germline. Inheritance: Autosomal dominant inheritance. Observed: 2 variant alleles, 2 heterozygotes.
Comment: This missense variant replaces glycine with arginine at codon 1208 of the RYR2 protein. Computational prediction suggests that this variant may have deleterious impact on protein structure and function (internally defined REVEL score threshold >= 0.7, PMID: 27666373). Splice site prediction tools suggest that this variant may not impact RNA splicing. To our knowledge, functional studies have not been performed for this variant. This variant has not been reported in individuals affected with cardiovascular disorders in the literature. This variant has been identified in 7/280334 chromosomes in the general population by the Genome Aggregation Database (gnomAD). The available evidence is insufficient to determine the role of this variant in disease conclusively. Therefore, this variant is classified as a Variant of Uncertain Significance.

This study involves interpretation of variants in research participants for the purpose of population health screening. Participant phenotype was not available at the time of variant classification. Additional details can be found in publication PMID: 35346344, PMCID: PMC8962531

Color Diagnostics, LLC DBA Color Health
Classification: Uncertain significance for Cardiomyopathy. Last evaluated: 2023-01-26. Review status: criteria provided, single submitter. Criteria: ACMG Guidelines, 2015. Collection method: clinical testing. Allele origin: germline.
Comment: This missense variant replaces glycine with arginine at codon 1208 of the RYR2 protein. Computational prediction suggests that this variant may have deleterious impact on protein structure and function (internally defined REVEL score threshold >= 0.7, PMID: 27666373). To our knowledge, functional studies have not been reported for this variant. This variant has not been reported in individuals affected with RYR2-related disorders in the literature. This variant has been identified in 7/280334 chromosomes in the general population by the Genome Aggregation Database (gnomAD). The available evidence is insufficient to determine the role of this variant in disease conclusively. Therefore, this variant is classified as a Variant of Uncertain Significance.